The following is an entry in ClinVar:

NM_003489.4(NRIP1):c.2062AGT[1] (p.Ser689del)

Gene: NRIP1 (nuclear receptor interacting protein 1; minus strand). Cytogenetic location: 21q11.2.
Variant type: Microsatellite.
Coding change: c.2062AGT[1] on transcript NM_003489.4 (MANE Select); one copy of the 3-base unit AGT starting at c.2062; the reference has two copies in a row; one copy, 3 bases deleted.
Protein change: p.Ser689del; deletes serine 689.
Molecular consequence: inframe deletion.
Genome position (GRCh38, 1-based): chr21:14,966,126-14,966,128, ACT deleted on the plus strand (AGT on the coding strand, the reverse complement: NRIP1 is on the minus strand); deleting any 3 consecutive bases within chr21:14,966,126-14,966,132 gives the same sequence; the position shown is the placement nearest the transcript's 3' end. VCF-style (leftmost placement, unchanged base first): chr21-14966125-GACT-G. GRCh37 (hg19) VCF-style: chr21-16338446-GACT-G.
Other names: c.2062AGT[1], p.Ser689del (NM_001439275.1, NM_001439276.1, NM_001439277.1 and 10 more transcripts); short protein forms S689del.
Identifiers: ClinVar variation 4690743 (VCV004690743.1).
Genomic context (GRCh38, chr21:14,966,125, plus strand): 5'-GTCTTTCAAGCAGATTTTCTATTTCAGAACCAGAAAGCCCTGGTTCAGGACCTGTTGGTT[GACT>G]ACTAAATGCTTTATTTTCTTCAACTGCATTTGTTTTATTTGAGAGCAAAGGGCTATTTAA-3'

ClinVar aggregate classification (germline): Uncertain significance (1 of 4 stars; one submission).

Submission:

Labcorp Genetics (formerly Invitae), Labcorp
Classification: Uncertain significance. Last evaluated: 2025-06-17. Review status: criteria provided, single submitter. Criteria: Invitae Variant Classification Sherloc (09022015). Collection method: clinical testing. Allele origin: germline.
Comment: This variant, c.2065_2067del, results in the deletion of 1 amino acid(s) of the NRIP1 protein (p.Ser689del), but otherwise preserves the integrity of the reading frame. This variant is present in population databases (rs745553210, gnomAD 0.004%). This variant has not been reported in the literature in individuals affected with NRIP1-related conditions. Experimental studies and prediction algorithms are not available or were not evaluated, and the functional significance of this variant is currently unknown. In summary, the available evidence is currently insufficient to determine the role of this variant in disease. Therefore, it has been classified as a Variant of Uncertain Significance.